The following is an entry in ClinVar:

ClinVar aggregate classification (germline): Uncertain significance (1 of 4 stars; one submission).

Conditions:
Regional enteritis. Also called: Enteritis, Granulomatous. Identifiers: MedGen C0678202, MeSH D003424.
Blau syndrome (BLAUS). Also called: GRANULOMATOSIS, FAMILIAL JUVENILE SYSTEMIC; GRANULOMATOSIS, FAMILIAL, BLAU TYPE; GRANULOMATOUS INFLAMMATORY ARTHRITIS, DERMATITIS, AND UVEITIS, FAMILIAL; JABS SYNDROME; ARTHROCUTANEOUVEAL GRANULOMATOSIS. Identifiers: Orphanet 90340, MedGen C5201146, MONDO:0008523, OMIM 186580.

Allele frequency attached by ClinVar (database versions not stated): TOPMed 0.00001; gnomAD exomes 0.00002.
gnomAD v4.1: 29 of 1,613,926 alleles (0.0018%); highest among the groups gnomAD compares: Non-Finnish European, 0.002%; no homozygotes.

Submission:

Labcorp Genetics (formerly Invitae), Labcorp
Classification: Uncertain significance for Regional enteritis; Blau syndrome. Last evaluated: 2025-12-01. Review status: criteria provided, single submitter. Criteria: Invitae Variant Classification Sherloc (09022015). Collection method: clinical testing. Allele origin: germline.
Comment: This sequence change replaces alanine, which is neutral and non-polar, with valine, which is neutral and non-polar, at codon 781 of the NOD2 protein (p.Ala781Val). This variant is not present in population databases (gnomAD no frequency). This variant has not been reported in the literature in individuals affected with NOD2-related conditions. ClinVar contains an entry for this variant (Variation ID: 2416329). Invitae Evidence Modeling of protein sequence and biophysical properties (such as structural, functional, and spatial information, amino acid conservation, physicochemical variation, residue mobility, and thermodynamic stability) has been performed for this missense variant. However, the output from this modeling did not meet the statistical confidence thresholds required to predict the impact of this variant on NOD2 protein function. In summary, the available evidence is currently insufficient to determine the role of this variant in disease. Therefore, it has been classified as a Variant of Uncertain Significance.

NM_001370466.1(NOD2):c.2261C>T (p.Ala754Val)

Gene: NOD2 (nucleotide binding oligomerization domain containing 2; plus strand). Cytogenetic location: 16q12.1.
Variant type: single nucleotide variant.
Coding change: c.2261C>T on transcript NM_001370466.1 (MANE Select); coding-DNA position 2261, C replaced by T.
Protein change: p.Ala754Val; replaces alanine 754 with valine.
Molecular consequence: missense variant. On other transcripts: non-coding transcript variant (1).
Genome position (GRCh38, 1-based): chr16:50,712,253, C>T. VCF-style: chr16-50712253-C-T. GRCh37 (hg19) VCF-style: chr16-50746164-C-T.
Other names: c.2261C>T, p.Ala754Val (NM_001293557.2); c.2342C>T, p.Ala781Val (NM_022162.3); short protein forms A754V, A781V.
Identifiers: ClinVar variation 2416329 (VCV002416329.7), dbSNP rs866173388, ClinGen allele CA281264410.